The following is an entry in ClinVar:

NM_003839.4(TNFRSF11A):c.897G>C (p.Met299Ile)

Gene: TNFRSF11A (TNF receptor superfamily member 11a; plus strand). Cytogenetic location: 18q21.33.
Variant type: single nucleotide variant.
Coding change: c.897G>C on transcript NM_003839.4 (MANE Select); coding-DNA position 897, G replaced by C.
Protein change: p.Met299Ile; replaces methionine 299 with isoleucine.
Molecular consequence: missense variant. On other transcripts: intron variant (3).
Genome position (GRCh38, 1-based): chr18:62,368,814, G>C. VCF-style: chr18-62368814-G-C. GRCh37 (hg19) VCF-style: chr18-60036047-G-C.
Other names: c.855G>C, p.Met285Ile (NM_001278268.2); c.783+2054G>C (NM_001270949.2); c.730+7021G>C (NM_001270950.2); c.616+8765G>C (NM_001270951.2); short protein forms M299I, M285I.
Identifiers: ClinVar variation 1387237 (VCV001387237.6), dbSNP rs2145355125, ClinGen allele CA402616147.

ClinVar aggregate classification (germline): Uncertain significance (1 of 4 stars; one submission).

Submission:

Labcorp Genetics (formerly Invitae), Labcorp
Classification: Uncertain significance. Last evaluated: 2021-10-15. Review status: criteria provided, single submitter. Criteria: Invitae Variant Classification Sherloc (09022015). Collection method: clinical testing. Allele origin: germline.
Comment: Algorithms developed to predict the effect of missense changes on protein structure and function (SIFT, PolyPhen-2, Align-GVGD) all suggest that this variant is likely to be tolerated. In summary, the available evidence is currently insufficient to determine the role of this variant in disease. Therefore, it has been classified as a Variant of Uncertain Significance. This variant has not been reported in the literature in individuals affected with TNFRSF11A-related conditions. This sequence change replaces methionine with isoleucine at codon 299 of the TNFRSF11A protein (p.Met299Ile). The methionine residue is weakly conserved and there is a small physicochemical difference between methionine and isoleucine. This variant is not present in population databases (ExAC no frequency).